The following is an entry in ClinVar:

ClinVar aggregate classification (germline): Uncertain significance (0 of 4 stars; one submission).

Conditions:
SEMA3G-related disorder. Also called: SEMA3G-related condition.

Submission:

PreventionGenetics, part of Exact Sciences
Classification: Uncertain significance for SEMA3G-related condition. Last evaluated: 2024-05-31. Review status: no assertion criteria provided. Collection method: clinical testing. Allele origin: germline.
Comment: The SEMA3G c.998+2T>G variant is predicted to disrupt the GT donor site and interfere with normal splicing. To our knowledge, this variant has not been reported in the literature or in a large population database, indicating this variant is rare. To our knowledge, variants that alter splicing of SEMA3G have not commonly been reported in the literature (Human Gene Mutation Database, HGMD). Splicing variant is not an established mechanism of disease for this gene. At this time, the clinical significance of this variant is uncertain due to the absence of conclusive functional and genetic evidence.

NM_020163.3(SEMA3G):c.998+2T>G

Gene: SEMA3G (semaphorin 3G; minus strand). Cytogenetic location: 3p21.1.
Variant type: single nucleotide variant.
Coding change: c.998+2T>G on transcript NM_020163.3 (MANE Select); the canonical splice donor site of the intron after coding-DNA position 998, T replaced by G.
Molecular consequence: splice donor variant.
Genome position (GRCh38, 1-based): chr3:52,440,752, A>C on the plus strand (T>G on the coding strand, the complement: SEMA3G is on the minus strand). VCF-style: chr3-52440752-A-C. GRCh37 (hg19) VCF-style: chr3-52474768-A-C.
Identifiers: ClinVar variation 3346976 (VCV003346976.1).